The following is an entry in ClinVar:

NM_001378454.1(ALMS1):c.7888T>G (p.Ser2630Ala)

Gene: ALMS1 (ALMS1 centrosome and basal body associated protein; plus strand). Cytogenetic location: 2p13.1.
Variant type: single nucleotide variant.
Coding change: c.7888T>G on transcript NM_001378454.1 (MANE Select); coding-DNA position 7888, T replaced by G.
Protein change: p.Ser2630Ala; replaces serine 2630 with alanine.
Molecular consequence: missense variant.
Genome position (GRCh38, 1-based): chr2:73,489,847, T>G. VCF-style: chr2-73489847-T-G. GRCh37 (hg19) VCF-style: chr2-73716974-T-G.
Other names: c.7891T>G, p.Ser2631Ala (NM_015120.4); short protein forms S2630A, S2631A.
Identifiers: ClinVar variation 971719 (VCV000971719.7), dbSNP rs1672937962, ClinGen allele CA347266190.

ClinVar aggregate classification (germline): Uncertain significance (1 of 4 stars; one submission).

Conditions:
Alstrom syndrome (ALMS). Identifiers: Orphanet 64, MedGen C0268425, MONDO:0008763, OMIM 203800.

Submission:

Labcorp Genetics (formerly Invitae), Labcorp
Classification: Uncertain significance for Alstrom syndrome. Last evaluated: 2019-10-29. Review status: criteria provided, single submitter. Criteria: Invitae Variant Classification Sherloc (09022015). Collection method: clinical testing. Allele origin: germline.
Comment: This variant has not been reported in the literature in individuals with ALMS1-related conditions. This sequence change replaces serine with alanine at codon 2631 of the ALMS1 protein (p.Ser2631Ala). The serine residue is highly conserved and there is a moderate physicochemical difference between serine and alanine. This variant is not present in population databases (ExAC no frequency). Algorithms developed to predict the effect of missense changes on protein structure and function are either unavailable or do not agree on the potential impact of this missense change (SIFT: "Deleterious"; PolyPhen-2: "Not Available"; Align-GVGD: "Class C0"). In summary, the available evidence is currently insufficient to determine the role of this variant in disease. Therefore, it has been classified as a Variant of Uncertain Significance.